The following is an entry in ClinVar:

NM_138386.3(NAF1):c.269C>T (p.Pro90Leu)

Gene: NAF1 (nuclear assembly factor 1 ribonucleoprotein; minus strand). Cytogenetic location: 4q32.2.
Variant type: single nucleotide variant.
Coding change: c.269C>T on transcript NM_138386.3 (MANE Select); coding-DNA position 269, C replaced by T.
Protein change: p.Pro90Leu; replaces proline 90 with leucine.
Molecular consequence: missense variant.
Genome position (GRCh38, 1-based): chr4:163,166,459, G>A on the plus strand (C>T on the coding strand, the complement: NAF1 is on the minus strand). VCF-style: chr4-163166459-G-A. GRCh37 (hg19) VCF-style: chr4-164087611-G-A.
Other names: c.269C>T, p.Pro90Leu (NM_001128931.2); c.269C>T (NM_138386.2); short protein forms P90L.
Identifiers: ClinVar variation 2181836 (VCV002181836.5), dbSNP rs749658539, ClinGen allele CA3126436.

ClinVar aggregate classification (germline): Uncertain significance. Review status: criteria provided, multiple submitters, no conflicts (2 of 4 stars). 2 submissions from 2 submitters: Uncertain significance (2). Last evaluated 2025-01-28.

Allele frequency attached by ClinVar (database versions not stated): gnomAD 0.00003; TOPMed 0.00004; ExAC 0.00008.
gnomAD v4.1: 95 of 1,604,986 alleles (0.0059%); highest among the groups gnomAD compares: Non-Finnish European, 0.0073%; no homozygotes.

Submissions (2):

Ambry Genetics
Classification: Uncertain significance. Last evaluated: 2025-01-28. Review status: criteria provided, single submitter. Criteria: Ambry Variant Classification Scheme 2023. Collection method: clinical testing. Allele origin: germline.

Labcorp Genetics (formerly Invitae), Labcorp
Classification: Uncertain significance. Last evaluated: 2024-06-29. Review status: criteria provided, single submitter. Criteria: Invitae Variant Classification Sherloc (09022015). Collection method: clinical testing. Allele origin: germline.
Comment: This sequence change replaces proline, which is neutral and non-polar, with leucine, which is neutral and non-polar, at codon 90 of the NAF1 protein (p.Pro90Leu). This variant is present in population databases (rs749658539, gnomAD 0.01%). This variant has not been reported in the literature in individuals affected with NAF1-related conditions. ClinVar contains an entry for this variant (Variation ID: 2181836). An algorithm developed to predict the effect of missense changes on protein structure and function (PolyPhen-2) suggests that this variant is likely to be tolerated. In summary, the available evidence is currently insufficient to determine the role of this variant in disease. Therefore, it has been classified as a Variant of Uncertain Significance.